The following is an entry in ClinVar:

NM_144670.6(A2ML1):c.4010G>C (p.Arg1337Thr)

Gene: A2ML1 (alpha-2-macroglobulin like 1; plus strand). Cytogenetic location: 12p13.31.
Variant type: single nucleotide variant.
Coding change: c.4010G>C on transcript NM_144670.6 (MANE Select); coding-DNA position 4010, G replaced by C.
Protein change: p.Arg1337Thr; replaces arginine 1337 with threonine.
Molecular consequence: missense variant.
Genome position (GRCh38, 1-based): chr12:8,868,306, G>C. VCF-style: chr12-8868306-G-C. GRCh37 (hg19) VCF-style: chr12-9020902-G-C.
Other names: c.2537G>C, p.Arg846Thr (NM_001282424.3); short protein forms R1337T, R846T.
Identifiers: ClinVar variation 2413425 (VCV002413425.6), dbSNP rs2539310048, ClinGen allele CA383812717.
Genomic context (GRCh38, chr12:8,868,306, plus strand): 5'-ATATTCTCCCTCCCACAAATATGAAGACCTTTAGTCTTAGTGTGGAAATAGGAAAAGCTA[G>C]ATGTGAGCAACCGACTTCACCTCGATCCTTGACTCTCACTATTCACACCAGGTGATTAAA-3'
Protein context (NP_653271.3, residues 1327-1347): FSLSVEIGKA[Arg1337Thr]CEQPTSPRSL

ClinVar aggregate classification (germline): Uncertain significance (1 of 4 stars; one submission).

Submission:

Labcorp Genetics (formerly Invitae), Labcorp
Classification: Uncertain significance. Last evaluated: 2022-03-27. Review status: criteria provided, single submitter. Criteria: Invitae Variant Classification Sherloc (09022015). Collection method: clinical testing. Allele origin: germline.
Comment: In summary, the available evidence is currently insufficient to determine the role of this variant in disease. Therefore, it has been classified as a Variant of Uncertain Significance. Algorithms developed to predict the effect of sequence changes on RNA splicing suggest that this variant may create or strengthen a splice site. Algorithms developed to predict the effect of missense changes on protein structure and function output the following: SIFT: "Tolerated"; PolyPhen-2: "Benign"; Align-GVGD: "Class C0". The threonine amino acid residue is found in multiple mammalian species, which suggests that this missense change does not adversely affect protein function. This variant has not been reported in the literature in individuals affected with A2ML1-related conditions. This variant is not present in population databases (gnomAD no frequency). This sequence change replaces arginine, which is basic and polar, with threonine, which is neutral and polar, at codon 1337 of the A2ML1 protein (p.Arg1337Thr).